The following is an entry in ClinVar:

NM_001197104.2(KMT2A):c.8491C>G (p.Leu2831Val)

Gene: KMT2A (lysine methyltransferase 2A; plus strand). Cytogenetic location: 11q23.3.
Variant type: single nucleotide variant.
Coding change: c.8491C>G on transcript NM_001197104.2 (MANE Select); coding-DNA position 8491, C replaced by G.
Protein change: p.Leu2831Val; replaces leucine 2831 with valine.
Molecular consequence: missense variant.
Genome position (GRCh38, 1-based): chr11:118,504,383, C>G. VCF-style: chr11-118504383-C-G. GRCh37 (hg19) VCF-style: chr11-118375098-C-G.
Other names: c.8581C>G, p.Leu2861Val (NM_001412597.1); c.8482C>G, p.Leu2828Val (NM_005933.4); short protein forms L2828V, L2831V, L2861V.
Identifiers: ClinVar variation 2662426 (VCV002662426.1), dbSNP rs1950548859, ClinGen allele CA382814191.

ClinVar aggregate classification (germline): Uncertain significance (1 of 4 stars; one submission).

Allele frequency attached by ClinVar (database versions not stated): TOPMed below 0.00001.

Submission:

GeneDx
Classification: Uncertain significance. Last evaluated: 2023-04-04. Review status: criteria provided, single submitter. Criteria: GeneDx Variant Classification Process June 2021. Collection method: clinical testing. Allele origin: germline. Affected: yes.
Comment: Not observed at significant frequency in large population cohorts (gnomAD); In silico analysis supports that this missense variant does not alter protein structure/function; Has not been previously published as pathogenic or benign to our knowledge